The following is an entry in ClinVar:

NM_206967.3(CLMB):c.46AGC[4] (p.Ser20_Ser21del)

Gene: CLMB (calcimembrin; minus strand). Cytogenetic location: 16q24.1.
Variant type: Microsatellite.
Coding change: c.46AGC[4] on transcript NM_206967.3 (MANE Select); four copies in a row of the 3-base unit AGC starting at c.46; the reference has six copies in a row; two copies, 6 bases deleted.
Protein change: p.Ser20_Ser21del.
Molecular consequence: inframe deletion.
Genome position (GRCh38, 1-based): chr16:85,710,273-85,710,278, GCTGCT deleted on the plus strand (AGCAGC on the coding strand, the reverse complement: CLMB is on the minus strand); deleting any 6 consecutive bases within chr16:85,710,273-85,710,291 gives the same sequence; the position shown is the placement nearest the transcript's 3' end. VCF-style (leftmost placement, unchanged base first): chr16-85710272-GGCTGCT-G. GRCh37 (hg19) VCF-style: chr16-85743878-GGCTGCT-G.
Identifiers: ClinVar variation 2646943 (VCV002646943.23), dbSNP rs751825593, ClinGen allele CA8216136.

ClinVar aggregate classification (germline): Likely benign (1 of 4 stars; one submission).

Submission:

CeGaT Center for Human Genetics Tuebingen
Classification: Likely benign. Last evaluated: 2023-03-01. Review status: criteria provided, single submitter. Criteria: CeGaT Center For Human Genetics Tuebingen Variant Classification Criteria Version 2. Collection method: clinical testing. Allele origin: germline. Affected: yes. Observed: 1 variant allele.
Comment: CLMB: BS2; ENSG00000287125: BS2